The following is an entry in ClinVar:

ClinVar aggregate classification (germline): Likely benign (1 of 4 stars; one submission).

Allele frequency attached by ClinVar (database versions not stated): ExAC 0.00091; gnomAD exomes 0.00109; ESP Exome Variant Server 0.00115; 1000 Genomes Project 30x 0.00016; 1000 Genomes Project 0.00020; TOPMed 0.00074; gnomAD 0.00076.

Submission:

CeGaT Center for Human Genetics Tuebingen
Classification: Likely benign. Last evaluated: 2023-08-01. Review status: criteria provided, single submitter. Criteria: CeGaT Center For Human Genetics Tuebingen Variant Classification Criteria Version 2. Collection method: clinical testing. Allele origin: germline. Affected: yes. Observed: 1 variant allele.
Comment: TAF1L: BP4, BP7

NM_153809.2(TAF1L):c.2271A>G (p.Gln757=)

Gene: TAF1L (TATA-box binding protein associated factor 1 like; minus strand). Cytogenetic location: 9p21.1.
Variant type: single nucleotide variant.
Coding change: c.2271A>G on transcript NM_153809.2 (MANE Select); coding-DNA position 2271, A replaced by G.
Protein change: p.Gln757=; no amino-acid change (glutamine 757 retained).
Molecular consequence: synonymous variant.
Genome position (GRCh38, 1-based): chr9:32,633,309, T>C on the plus strand (A>G on the coding strand, the complement: TAF1L is on the minus strand). VCF-style: chr9-32633309-T-C. GRCh37 (hg19) VCF-style: chr9-32633307-T-C.
Identifiers: ClinVar variation 2659143 (VCV002659143.24), dbSNP rs55827525, ClinGen allele CA5021578.